The following is an entry in ClinVar:

NM_001282717.2(STAG3):c.1571del (p.Gln524fs)

Gene: STAG3 (STAG3 cohesin complex component; plus strand). Cytogenetic location: 7q22.1.
Variant type: Deletion.
Coding change: c.1571del on transcript NM_001282717.2 (MANE Select); coding-DNA position 1571, one base deleted (A; older notation c.1571delA).
Protein change: p.Gln524fs; shifts the reading frame from glutamine 524.
Molecular consequence: frameshift variant.
Genome position (GRCh38, 1-based): chr7:100,199,365, A deleted. VCF-style (leftmost placement, unchanged base first): chr7-100199364-CA-C. GRCh37 (hg19) VCF-style: chr7-99796987-CA-C.
Other names: c.1571del, p.Gln524fs (NM_001282716.1, NM_001375438.1, NM_012447.4); c.1397del, p.Gln466fs (NM_001282718.2); short protein forms Q466fs, Q524fs.
Identifiers: ClinVar variation 869148 (VCV000869148.4), dbSNP rs1800917478, ClinGen allele CA916082941.
Genomic context (GRCh38, chr7:100,199,364, plus strand): 5'-TGTGCAGGGGCTCGGCTGAAGGACTGGGAGGGTCTGACAAGCCTGCTGCTGGAGAAGGAC[CA>C]GAGTACGTGTCACACGGAGCCAGGGACAGGGACCTTCCACCCCCTAGGGTGAAACTGGGA-3'

ClinVar aggregate classification (germline): Likely pathogenic. Review status: criteria provided, multiple submitters, no conflicts (2 of 4 stars). 2 submissions from 2 submitters: Likely pathogenic (2). Last evaluated 2023-09-15.

Conditions:
STAG3-related disorder. Also called: STAG3-related condition.
Premature ovarian failure 8 (POF8). Identifiers: MedGen C3810367, MONDO:0014321, OMIM 615723.

Allele frequency attached by ClinVar (database versions not stated): TOPMed below 0.00001; gnomAD exomes 0.00001.

Submissions (2):

Blueprint Genetics
Classification: Likely pathogenic for STAG3-related disorders. Last evaluated: 2023-09-15. Review status: criteria provided, single submitter. Criteria: ACMG Guidelines, 2015. Collection method: clinical testing. Allele origin: germline. Affected: yes. Observed: 2 variant alleles.

Breda Genetics srl
Classification: Likely pathogenic for Premature ovarian failure 8. Last evaluated: 2019-09-16. Review status: criteria provided, single submitter. Criteria: ACMG Guidelines, 2015. Collection method: clinical testing. Allele origin: germline. Inheritance: Autosomal recessive inheritance. Affected: yes. Observed: 1 variant allele, 1 compound heterozygote.
Comment: The variant creates a shift in the reading frame which is predicted to result in a premature stop codon 11 amino acids downstream. This variant has not been reported in dbSNP, gnomAD, 1000 Genomes, NHLI Exome Sequencing Project (ESP) or ClinVar.